The following is an entry in ClinVar:

ClinVar aggregate classification (germline): Uncertain significance (1 of 4 stars; one submission).

Allele frequency attached by ClinVar (database versions not stated): gnomAD exomes below 0.00001; ExAC 0.00001; gnomAD 0.00001.
gnomAD v4.1: 12 of 1,613,612 alleles (0.00074%); highest among the groups gnomAD compares: African/African-American, 0.0027%; no homozygotes.

Submission:

Labcorp Genetics (formerly Invitae), Labcorp
Classification: Uncertain significance. Last evaluated: 2022-08-10. Review status: criteria provided, single submitter. Criteria: Invitae Variant Classification Sherloc (09022015). Collection method: clinical testing. Allele origin: germline.
Comment: This sequence change replaces glycine, which is neutral and non-polar, with arginine, which is basic and polar, at codon 275 of the GTPBP3 protein (p.Gly275Arg). The frequency data for this variant in the population databases is considered unreliable, as metrics indicate poor data quality at this position in the gnomAD database. This variant has not been reported in the literature in individuals affected with GTPBP3-related conditions. ClinVar contains an entry for this variant (Variation ID: 1505985). Algorithms developed to predict the effect of missense changes on protein structure and function are either unavailable or do not agree on the potential impact of this missense change (SIFT: "Deleterious"; PolyPhen-2: "Probably Damaging"; Align-GVGD: "Class C0"). In summary, the available evidence is currently insufficient to determine the role of this variant in disease. Therefore, it has been classified as a Variant of Uncertain Significance.

NM_032620.4(GTPBP3):c.727G>A (p.Gly243Arg)

Gene: GTPBP3 (GTP binding protein 3, mitochondrial; plus strand). Cytogenetic location: 19p13.11.
Variant type: single nucleotide variant.
Coding change: c.727G>A on transcript NM_032620.4 (MANE Select); coding-DNA position 727, G replaced by A.
Protein change: p.Gly243Arg; replaces glycine 243 with arginine.
Molecular consequence: missense variant.
Genome position (GRCh38, 1-based): chr19:17,339,185, G>A. VCF-style: chr19-17339185-G-A. GRCh37 (hg19) VCF-style: chr19-17449994-G-A.
Other names: c.727G>A, p.Gly243Arg (NM_001128855.3); c.793G>A, p.Gly265Arg (NM_001195422.1); c.823G>A, p.Gly275Arg (NM_133644.4); short protein forms G265R, G275R, G243R.
Identifiers: ClinVar variation 1505985 (VCV001505985.3), dbSNP rs778897687, ClinGen allele CA9293476.